The following is an entry in ClinVar:

NM_032409.3(PINK1):c.1100A>G (p.Asn367Ser)

Genes: PINK1-AS (PINK1 antisense RNA; minus strand), PINK1 (PTEN induced kinase 1; plus strand). Cytogenetic location: 1p36.12.
Variant type: single nucleotide variant.
Coding change: c.1100A>G on transcript NM_032409.3 (MANE Select); coding-DNA position 1100, A replaced by G.
Protein change: p.Asn367Ser; replaces asparagine 367 with serine.
Molecular consequence: missense variant.
Genome position (GRCh38, 1-based): chr1:20,645,700, A>G. VCF-style: chr1-20645700-A-G. GRCh37 (hg19) VCF-style: chr1-20972193-A-G.
Other names: short protein forms N367S.
Identifiers: ClinVar variation 3720169 (VCV003720169.2).

ClinVar aggregate classification (germline): Uncertain significance (1 of 4 stars; one submission).

Conditions:
Autosomal recessive early-onset Parkinson disease 6 (PARK6). Also called: PARKINSON DISEASE 6, EARLY-ONSET; PARKINSON DISEASE 6, MODIFIER OF; PINK1 Type of Young-Onset Parkinson Disease; PINK1-Related Parkinson Disease. Identifiers: Orphanet 2828, MedGen C1853833, MONDO:0011613, OMIM 605909.

gnomAD v4.1: 19 of 1,613,960 alleles (0.0012%); highest among the groups gnomAD compares: Non-Finnish European, 0.0015%; no homozygotes.

Submission:

Labcorp Genetics (formerly Invitae), Labcorp
Classification: Uncertain significance for Autosomal recessive early-onset Parkinson disease 6. Last evaluated: 2024-03-01. Review status: criteria provided, single submitter. Criteria: Invitae Variant Classification Sherloc (09022015). Collection method: clinical testing. Allele origin: germline.
Comment: This sequence change replaces asparagine, which is neutral and polar, with serine, which is neutral and polar, at codon 367 of the PINK1 protein (p.Asn367Ser). This variant is present in population databases (rs749040285, gnomAD 0.002%). This missense change has been observed in individual(s) with Parkinson disease (PMID: 18704525; Invitae). In at least one individual the data is consistent with being in trans (on the opposite chromosome) from a pathogenic variant. Advanced modeling of protein sequence and biophysical properties (such as structural, functional, and spatial information, amino acid conservation, physicochemical variation, residue mobility, and thermodynamic stability) performed at Invitae indicates that this missense variant is expected to disrupt PINK1 protein function with a positive predictive value of 80%. In summary, the available evidence is currently insufficient to determine the role of this variant in disease. Therefore, it has been classified as a Variant of Uncertain Significance.

Literature cited by the submitters: PubMed 18704525.